The following is an entry in ClinVar:

ClinVar aggregate classification (germline): Conflicting classifications of pathogenicity. Review status: criteria provided, conflicting classifications (1 of 4 stars). 2 submissions from 2 submitters: Uncertain significance (1); Likely benign (1). Last evaluated 2025-05-20.

Conditions:
PSEN2-related disorder. Also called: PSEN2-related condition.
Alzheimer disease 4 (AD4). Identifiers: Orphanet 1020, MedGen C1847200, MONDO:0011743, OMIM 606889.

Allele frequency attached by ClinVar (database versions not stated): gnomAD exomes 0.00006; ExAC 0.00010; gnomAD 0.00011 and 0.00012; TOPMed 0.00014; 1000 Genomes Project 0.00020; ESP Exome Variant Server 0.00031; 1000 Genomes Project 30x 0.00078.
gnomAD v4.1: 43 of 1,612,832 alleles (0.0027%); highest among the groups gnomAD compares: African/African-American, 0.053%; no homozygotes.

Submissions (2):

PreventionGenetics, part of Exact Sciences
Classification: Likely benign for PSEN2-related condition. Last evaluated: 2025-05-20. Review status: criteria provided, single submitter. Criteria: ACMG Guidelines, 2015. Collection method: clinical testing. Allele origin: germline.
Comment: This variant is classified as likely benign based on ACMG/AMP sequence variant interpretation guidelines (Richards et al. 2015 PMID: 25741868, with internal and published modifications).

Labcorp Genetics (formerly Invitae), Labcorp
Classification: Uncertain significance for Alzheimer disease 4. Last evaluated: 2021-02-02. Review status: criteria provided, single submitter. Criteria: Invitae Variant Classification Sherloc (09022015). Collection method: clinical testing. Allele origin: germline.
Comment: This sequence change replaces histidine with tyrosine at codon 444 of the PSEN2 protein (p.His444Tyr). The histidine residue is moderately conserved and there is a moderate physicochemical difference between histidine and tyrosine. This variant is present in population databases (rs151048692, ExAC 0.09%), and has an allele count higher than expected for a pathogenic variant (PMID: 28166811). This variant has not been reported in the literature in individuals with PSEN2-related conditions. Algorithms developed to predict the effect of missense changes on protein structure and function (SIFT, PolyPhen-2, Align-GVGD) all suggest that this variant is likely to be tolerated, but these predictions have not been confirmed by published functional studies and their clinical significance is uncertain. In summary, the available evidence is currently insufficient to determine the role of this variant in disease. Therefore, it has been classified as a Variant of Uncertain Significance.

Literature cited by the submitters: PubMed 28166811 (cited by Labcorp Genetics (formerly Invitae), Labcorp).

NM_000447.3(PSEN2):c.1330C>T (p.His444Tyr)

Gene: PSEN2 (presenilin 2; plus strand). Cytogenetic location: 1q42.13.
Variant type: single nucleotide variant.
Coding change: c.1330C>T on transcript NM_000447.3 (MANE Select); coding-DNA position 1330, C replaced by T.
Protein change: p.His444Tyr; replaces histidine 444 with tyrosine.
Molecular consequence: missense variant.
Genome position (GRCh38, 1-based): chr1:226,895,562, C>T. VCF-style: chr1-226895562-C-T. GRCh37 (hg19) VCF-style: chr1-227083263-C-T.
Other names: c.1330C>T (NM_000447.2); c.1327C>T, p.His443Tyr (NM_012486.3); short protein forms H444Y, H443Y.
Identifiers: ClinVar variation 1346683 (VCV001346683.9), dbSNP rs151048692, ClinGen allele CA1424878.